The following is an entry in ClinVar:

NM_024426.6(WT1):c.1568G>A (p.Ter523=)

Gene: WT1 (WT1 transcription factor; minus strand). Cytogenetic location: 11p13.
Variant type: single nucleotide variant.
Coding change: c.1568G>A on transcript NM_024426.6 (MANE Select); coding-DNA position 1568, G replaced by A.
Protein change: p.Ter523=.
Molecular consequence: synonymous variant. On other transcripts: non-coding transcript variant (1).
Genome position (GRCh38, 1-based): chr11:32,389,059, C>T on the plus strand (G>A on the coding strand, the complement: WT1 is on the minus strand). VCF-style: chr11-32389059-C-T. GRCh37 (hg19) VCF-style: chr11-32410605-C-T.
Other names: c.1508G>A, p.Ter503= (NM_000378.6); c.908G>A, p.Ter303= (NM_001198551.2); c.866G>A, p.Ter289= (NM_001198552.2); c.380G>A, p.Ter127= (NM_001367854.1); c.1553G>A, p.Ter518= (NM_001407044.1); c.1517G>A, p.Ter506= (NM_001407045.1); c.1475G>A, p.Ter492= (NM_001407046.1); c.1436G>A, p.Ter479= (NM_001407047.1); and 6 more.
Identifiers: ClinVar variation 515922 (VCV000515922.26), dbSNP rs148856160, ClinGen allele CA064691.

ClinVar aggregate classification (germline): Conflicting classifications of pathogenicity. Review status: criteria provided, conflicting classifications (1 of 4 stars). 12 submissions from 10 submitters: Uncertain significance (3); Likely benign (6). 3 of the submissions do not count toward it. Last evaluated 2025-11-23.

Conditions:
Kidney disorder. Also called: renal disease; Kidney disease; Kidney Diseases; renal disorder; Nephropathy. Identifiers: MedGen C0022658, MONDO:0005240, HP:0000112.
Nephrotic syndrome, type 4 (NPHS4). Also called: Familial mesangial sclerosis; Nephrotic syndrome, early onset with diffuse mesangial sclerosis. Identifiers: Orphanet 656, MedGen C3151568, MONDO:0009733, OMIM 256370.
Wilms tumor 1 (WT1). Also called: Wilms tumor, somatic. Identifiers: Orphanet 654, MedGen CN033288, MONDO:0008679, OMIM 194070.
Meacham syndrome. Also called: Meacham Winn Culler syndrome. Identifiers: Orphanet 3097, MedGen C1837026, MONDO:0012164, OMIM 608978.
WT1-related disorder. Also called: WT1-related disorders. Identifiers: MedGen CN377814.
11p partial monosomy syndrome (WAGR). Also called: WAGR syndrome; CHROMOSOME 11p13 DELETION SYNDROME; WAGR Complex; WAGR Spectrum Disorder. Identifiers: OMIM 194072, Orphanet 893, MedGen C0206115, MONDO:0008681.
Drash syndrome (DDS). Also called: WILMS TUMOR AND PSEUDO- OR TRUE HERMAPHRODITISM; NEPHROPATHY, WILMS TUMOR, AND GENITAL ANOMALIES. Identifiers: Orphanet 220, MedGen C0950121, MONDO:0008682, OMIM 194080.
Frasier syndrome. Identifiers: Orphanet 347, MedGen C0950122, MeSH D052159, MONDO:0007635, OMIM 136680.
Inborn genetic diseases. Identifiers: MedGen C0950123, MeSH D030342.

Allele frequency attached by ClinVar (database versions not stated): gnomAD 0.00001 and 0.00002; gnomAD exomes 0.00002; TOPMed 0.00002; ExAC 0.00003; ESP Exome Variant Server 0.00008.
gnomAD v4.1: 37 of 1,614,222 alleles (0.0023%); highest among the groups gnomAD compares: Middle Eastern, 0.13%; no homozygotes.

Submissions (12):

Labcorp Genetics (formerly Invitae), Labcorp
Classification: Likely benign for Wilms tumor 1; Drash syndrome; 11p partial monosomy syndrome; Frasier syndrome. Last evaluated: 2025-11-23. Review status: criteria provided, single submitter. Criteria: Invitae Variant Classification Sherloc (09022015). Collection method: clinical testing. Allele origin: germline.

Ambry Genetics
Classification: Likely benign for Inborn genetic diseases. Last evaluated: 2024-11-20. Review status: criteria provided, single submitter. Criteria: Ambry Variant Classification Scheme 2023. Collection method: clinical testing. Allele origin: germline.

Blueprint Genetics
Classification: Likely benign. Last evaluated: 2024-03-28. Review status: criteria provided, single submitter. Criteria: ACMG Guidelines, 2015. Collection method: clinical testing. Allele origin: germline.

Color Diagnostics, LLC DBA Color Health
Classification: Likely benign for Wilms tumor 1. Last evaluated: 2022-05-11. Review status: criteria provided, single submitter. Criteria: ACMG Guidelines, 2015. Collection method: clinical testing. Allele origin: germline.

GeneDx
Classification: Likely benign. Last evaluated: 2019-04-16. Review status: criteria provided, single submitter. Criteria: GeneDx Variant Classification Process June 2021. Collection method: clinical testing. Allele origin: germline. Affected: yes.

Illumina Laboratory Services, Illumina
Classification: Uncertain significance for Wilms tumor 1. Last evaluated: 2018-01-13. Review status: criteria provided, single submitter. Criteria: ICSL Variant Classification Criteria 13 December 2019. Collection method: clinical testing. Allele origin: germline.

Illumina Laboratory Services, Illumina
Classification: Uncertain significance for Nephrotic syndrome, type 4. Last evaluated: 2018-01-13. Review status: criteria provided, single submitter. Criteria: ICSL Variant Classification Criteria 13 December 2019. Collection method: clinical testing. Allele origin: germline.

Illumina Laboratory Services, Illumina
Classification: Likely benign for Meacham syndrome. Last evaluated: 2018-01-13. Review status: criteria provided, single submitter. Criteria: ICSL Variant Classification Criteria 13 December 2019. Collection method: clinical testing. Allele origin: germline.
Comment: This variant was observed in the ICSL laboratory as part of a predisposition screen in an ostensibly healthy population. It had not been previously curated by ICSL or reported in the Human Gene Mutation Database (HGMD: prior to June 1st, 2018), and was therefore a candidate for classification through an automated scoring system. Utilizing variant allele frequency, disease prevalence and penetrance estimates, and inheritance mode, an automated score was calculated to assess if this variant is too frequent to cause the disease. Based on the score and internal cut-off values, a variant classified as likely benign is not then subjected to further curation. The score for this variant resulted in a classification of likely benign for this disease.

Genome Diagnostics Laboratory, The Hospital for Sick Children
Classification: Uncertain significance for Kidney disorder. Last evaluated: 2017-08-02. Review status: criteria provided, single submitter. Criteria: ACMG Guidelines, 2015. Collection method: clinical testing. Allele origin: germline.

PreventionGenetics, part of Exact Sciences
Classification: Likely benign for WT1-related condition. Last evaluated: 2019-07-01. Review status: no assertion criteria provided. Collection method: clinical testing. Allele origin: germline. Not counted in ClinVar's aggregate classification.
Comment: This variant is classified as likely benign based on ACMG/AMP sequence variant interpretation guidelines (Richards et al. 2015 PMID: 25741868, with internal and published modifications).

Clinical Genetics DNA and cytogenetics Diagnostics Lab, Erasmus MC, Erasmus Medical Center
Classification: Likely benign. Review status: no assertion criteria provided. Collection method: clinical testing. Allele origin: germline. Affected: yes. Study: VKGL Data-share Consensus. Not counted in ClinVar's aggregate classification.

Genome Diagnostics Laboratory, University Medical Center Utrecht
Classification: Likely benign. Review status: no assertion criteria provided. Collection method: clinical testing. Allele origin: germline. Affected: yes. Study: VKGL Data-share Consensus. Not counted in ClinVar's aggregate classification.